The following is an entry in ClinVar:

ClinVar aggregate classification (germline): Likely benign. Review status: criteria provided, multiple submitters, no conflicts (2 of 4 stars). 3 submissions from 3 submitters: Likely benign (2). 1 of the submissions does not count toward it. Last evaluated 2025-05-14.

Conditions:
SPEG-related disorder. Also called: SPEG-related condition.

Allele frequency attached by ClinVar (database versions not stated): ExAC 0.00001; gnomAD 0.00001; TOPMed 0.00001; gnomAD exomes 0.00004; ESP Exome Variant Server 0.00008.
gnomAD v4.1: 53 of 1,613,604 alleles (0.0033%); highest among the groups gnomAD compares: Non-Finnish European, 0.0041%; 1 homozygote.

Submissions (3):

Labcorp Genetics (formerly Invitae), Labcorp
Classification: Likely benign. Last evaluated: 2025-05-14. Review status: criteria provided, single submitter. Criteria: Invitae Variant Classification Sherloc (09022015). Collection method: clinical testing. Allele origin: germline.

Blueprint Genetics
Classification: Likely benign. Last evaluated: 2022-06-08. Review status: criteria provided, single submitter. Criteria: ACMG Guidelines, 2015. Collection method: clinical testing. Allele origin: germline.

PreventionGenetics, part of Exact Sciences
Classification: Likely benign for SPEG-related condition. Last evaluated: 2023-07-11. Review status: no assertion criteria provided. Collection method: clinical testing. Allele origin: germline. Not counted in ClinVar's aggregate classification.
Comment: This variant is classified as likely benign based on ACMG/AMP sequence variant interpretation guidelines (Richards et al. 2015 PMID: 25741868, with internal and published modifications).

NM_005876.5(SPEG):c.2751G>A (p.Ala917=)

Gene: SPEG (striated muscle enriched protein kinase; plus strand). Cytogenetic location: 2q35.
Variant type: single nucleotide variant.
Coding change: c.2751G>A on transcript NM_005876.5 (MANE Select); coding-DNA position 2751, G replaced by A.
Protein change: p.Ala917=; no amino-acid change (alanine 917 retained).
Molecular consequence: synonymous variant.
Genome position (GRCh38, 1-based): chr2:219,464,478, G>A. VCF-style: chr2-219464478-G-A. GRCh37 (hg19) VCF-style: chr2-220329200-G-A.
Other names: c.204G>A, p.Ala68= (NM_001173476.2); c.2751G>A (NM_005876.4).
Identifiers: ClinVar variation 1909538 (VCV001909538.8), dbSNP rs368240598, ClinGen allele CA2125948.